The following is an entry in ClinVar:

NM_001377540.1(SLMAP):c.2053G>T (p.Ala685Ser)

Gene: SLMAP (sarcolemma associated protein; plus strand). Cytogenetic location: 3p14.3.
Variant type: single nucleotide variant.
Coding change: c.2053G>T on transcript NM_001377540.1 (MANE Select); coding-DNA position 2053, G replaced by T.
Protein change: p.Ala685Ser; replaces alanine 685 with serine.
Molecular consequence: missense variant. On other transcripts: non-coding transcript variant (1).
Genome position (GRCh38, 1-based): chr3:57,913,190, G>T. VCF-style: chr3-57913190-G-T. GRCh37 (hg19) VCF-style: chr3-57898917-G-T.
Other names: c.2002G>T, p.Ala668Ser (NM_001304420.3, NM_001377541.1, NM_001377542.1); c.1888G>T, p.Ala630Ser (NM_001304421.2, NM_001377557.1, NM_001377559.1); c.604G>T, p.Ala202Ser (NM_001304422.3, NM_001311178.2); c.406G>T, p.Ala136Ser (NM_001304423.3); c.481G>T, p.Ala161Ser (NM_001311179.2, NM_001377926.1, NM_001377927.1 and 1 more transcripts); c.2074G>T, p.Ala692Ser (NM_001377538.1); c.2053G>T, p.Ala685Ser (NM_001377539.1); c.1990G>T, p.Ala664Ser (NM_001377545.1); and 8 more; short protein forms A589S, A610S, A651S, A627S, A630S, A664S, A685S, A161S.
Identifiers: ClinVar variation 3445706 (VCV003445706.1).

ClinVar aggregate classification (germline): Uncertain significance (1 of 4 stars; one submission).

gnomAD v4.1: 6 of 1,590,928 alleles (0.00038%); highest among the groups gnomAD compares: South Asian, 0.0011%; no homozygotes.

Submission:

Ambry Genetics
Classification: Uncertain significance. Last evaluated: 2024-09-15. Review status: criteria provided, single submitter. Criteria: Ambry Variant Classification Scheme 2023. Collection method: clinical testing. Allele origin: germline.
Comment: The p.A651S variant (also known as c.1951G>T), located in coding exon 18 of the SLMAP gene, results from a G to T substitution at nucleotide position 1951. The alanine at codon 651 is replaced by serine, an amino acid with similar properties. This amino acid position is conserved. In addition, this alteration is predicted to be tolerated by in silico analysis. Based on the available evidence, the clinical significance of this variant remains unclear.